The following is an entry in ClinVar:

ClinVar aggregate classification (germline): Conflicting classifications of pathogenicity. Review status: criteria provided, conflicting classifications (1 of 4 stars). 13 submissions from 12 submitters: Pathogenic (8); Likely pathogenic (1); Uncertain significance (1). 3 of the submissions do not count toward it. Last evaluated 2026-08-31.

Conditions:
Maturity-onset diabetes of the young type 4 (MODY4). Also called: MODY, type IV; Maturity-onset diabetes of the young, type IV. Identifiers: Orphanet 552, MedGen C1833382, MONDO:0011667, OMIM 606392.
Pancreatic agenesis 1 (PAGEN1). Also called: PANCREATIC HYPOPLASIA, CONGENITAL. Identifiers: Orphanet 2805, MedGen C3891828, MONDO:0024547, OMIM 260370.
Type 2 diabetes mellitus. Also called: Type II diabetes mellitus. Identifiers: MedGen C0011860, MeSH D003924, MONDO:0005148, OMIM 125853, HP:0005978.
Maturity-onset diabetes of the young (MODY). Also called: Maturity onset diabetes mellitus in young. Identifiers: Orphanet 552, MedGen C0342276, MONDO:0018911, HP:0004904.
Permanent neonatal diabetes mellitus (PNDM). Identifiers: Orphanet 99885, MedGen C1833104, MONDO:0100164, MONDO:0011643. Disease mechanism: gain of function.
PDX1-related disorder. Also called: PDX1-related disorders; PDX1-related condition.

Submissions 1 to 6 of 13:

Ambry Genetics
Classification: Likely pathogenic for Maturity-onset diabetes of the young. Last evaluated: 2026-08-31. Review status: criteria provided, single submitter. Criteria: Ambry Variant Classification Scheme 2023. Collection method: clinical testing. Allele origin: germline.
Comment: The c.188delC (p.P63Rfs*60) alteration, located in exon 1 (coding exon 1) of the PDX1 gene, consists of a deletion of one nucleotide at position 188, causing a translational frameshift with a predicted alternate stop codon after 60 amino acids. This variant is expected to result in a translational frameshift leading to premature truncation and/or an abnormal protein product lacking critical protein domains. Premature stop codons are typically deleterious in nature, however, it is unclear if loss of function is the mechanism of disease. for autosomal dominant PDX1-related monogenic diabetes; however, its clinical significance for autosomal recessive PDX1-related permanent neonatal diabetes is uncertain. Based on data from gnomAD v3.1.2, this allele has an overall frequency of 0.001% (4/152126) total alleles studied. The highest observed frequency was 0.0044% (3/68006) of European (non-Finnish) alleles. This variant was reported in individual(s) with features consistent with autosomal dominant PDX1-related monogenic diabetes (Caetano, 2018; Ambry internal data). This variant has also been identified in the homozygous state in individual(s) with features consistent with autosomal recessive PDX1-related permanent neonatal diabetes (Stoffers, 1997; Thomas, 2009; Krishnamurthy, 2022). This variant segregated with disease in at least one family with features consistent with PDX1-related monogenic diabetes (Stoffers, 1997b). Functional studies suggest that the c.188delC variant results in two mutant PDX1 proteins. The first is a smaller amino-terminal mutant protein, arising from the predicted premature truncation, which is lacking a DNA binding domain and a nuclear localization signal, but contains an unique carboxy-terminal sequence arising from the frameshift that is expected to be transcriptionally inactive. The second is a larger carboxy-terminal mutant protein which initiates from an alternate, out-of-frame initiation codon that is returned in-frame by the cytosine deletion, thus lacking the amino-terminal transactivation domain but including the DNA-binding homeodomain and the carboxy-terminal domain. The mechanisms underlying the pathogenicity of these two mutant proteins are unclear, with some studies suggesting that one or both may engage a dominant-negative mechanism; however, the exact physiological relevance of these findings remains unclear (Stoffers, 1997; Stoffers, 1998; Stanojevic, 2004). Based on the available evidence, this alteration is classified as likely pathogenic.

Women's Health and Genetics/Laboratory Corporation of America, LabCorp
Classification: Pathogenic for Pancreatic agenesis 1. Last evaluated: 2025-10-24. Review status: criteria provided, single submitter. Criteria: LabCorp Variant Classification Summary - May 2015. Collection method: clinical testing. Allele origin: germline.
Comment: Variant summary: PDX1 c.188delC (p.Pro63ArgfsX60) results in a premature termination codon, predicted to cause a truncation of the encoded protein, however current evidence is not sufficient to establish loss of function as a mechanism for disease. The variant allele was found at a frequency of 1e-05 in 1541834 control chromosomes, predominantly at a frequency of 1.2e-05 within the Non-Finnish European subpopulation in the gnomAD database v4 database. This frequency is not significantly higher than estimated for disease-causing variants in PDX1, allowing no conclusion about variant significance. c.188delC has been observed in biallelic individuals affected with Pancreatic Agenesis 1 from two families with multiple heterozygous familial members with Maturity-Onset Diabetes Of The Young Type 4 (Stoffers_1997, Stoffers_1997b, Fajans_2010). These data indicate that the variant is likely to be associated with disease. At least one publication reports experimental evidence evaluating an impact on protein function. The most pronounced variant effect results in loss of the binding ability with nuclear extracts in COS1 cells and sequestration of p300 in vitro (Stoffers_1997b, Stanojevic_2004). The following publications have been ascertained in the context of this evaluation (PMID: 18436707, 28436541, 20621032, 39642868, 17349054, 8988180, 9326926, 12618559, 15001545). ClinVar contains an entry for this variant (Variation ID: 21124). Based on the evidence outlined above, the variant was classified as pathogenic.

GeneDx
Classification: Pathogenic. Last evaluated: 2025-07-16. Review status: criteria provided, single submitter. Criteria: GeneDx Variant Classification Process June 2021. Collection method: clinical testing. Allele origin: germline. Affected: yes.
Comment: Identified as heterozygous in a patient with MODY and an affected child with impaired glucose tolerance in published literature, both with caudal pancreatic agenesis (PMID: 28436541); Frameshift variant in the C-terminus predicted to result in protein truncation, as the last 221 amino acids are lost and replaced with 59 incorrect amino acids (PMID: 8988180); Published functional studies demonstrate that the variant results in increased binding of coactivator p300 compared to wild-type, suggesting a dominant negative effect due to depletion of available p300 for target gene activation (PMID: 15001545); Not observed at significant frequency in large population cohorts (gnomAD); This variant is associated with the following publications: (PMID: 26543388, 9326926, 20301620, 8506821, 8988180, 20621032, 19496967, 15001545, 28436541)

Athena Diagnostics
Classification: Pathogenic. Last evaluated: 2025-06-17. Review status: criteria provided, single submitter. Criteria: Athena Diagnostics Criteria. Collection method: clinical testing. Allele origin: unknown.
Comment: This variant is expected to result in the loss of a functional protein. The frequency of this variant in the general population is consistent with pathogenicity. Heterozygous individuals with this variant presented with clinical features of MODY, while homozygous individuals presented with pancreatic agenesis. Assessment of experimental evidence suggests this variant results in abnormal protein function. (PMID: 35803312)

Labcorp Genetics (formerly Invitae), Labcorp
Classification: Uncertain significance. Last evaluated: 2025-02-27. Review status: criteria provided, single submitter. Criteria: Invitae Variant Classification Sherloc (09022015). Collection method: clinical testing. Allele origin: germline.
Comment: This sequence change creates a premature translational stop signal (p.Pro63Argfs*60) in the PDX1 gene. While this is not anticipated to result in nonsense mediated decay, it is expected to disrupt the last 221 amino acid(s) of the PDX1 protein. The frequency data for this variant in the population databases is considered unreliable, as metrics indicate poor data quality at this position in the gnomAD database. This premature translational stop signal has been observed in individuals with maturity onset diabetes of the young and/or permanent neonatal diabetes (PMID: 8988180, 20621032, 28436541). This variant is also known as a single nucleotide deletion within codon 63 or P63fsdelC. ClinVar contains an entry for this variant (Variation ID: 21124). Algorithms developed to predict the effect of variants on gene product structure and function are not available or were not evaluated for this variant. Experimental studies have shown that this premature translational stop signal affects PDX1 function (PMID: 15001545). In summary, the available evidence is currently insufficient to determine the role of this variant in disease. Therefore, it has been classified as a Variant of Uncertain Significance.

Clinical Genomics Laboratory, Washington University in St. Louis
Classification: Pathogenic for Maturity-onset diabetes of the young type 4. Last evaluated: 2024-10-22. Review status: criteria provided, single submitter. Criteria: ACMG Guidelines, 2015. Collection method: clinical testing. Allele origin: germline. Affected: yes.
Comment: The PDX1 c.188del (p.Pro63Argfs*60) variant has been reported in numerous individuals affected with maturity-onset diabetes of the young type 4 (MODY4), and is reported to segregate with disease in at least 10 individuals (Fajans S et al., PMID: 20621032; Stoffers D et al., PMID: 8988180; Thomas I et al., PMID: 19496967). Homozygosity for this variant has been reported in individuals with neonatal diabetes mellitus with pancreatic agenesis, (Caetano L et al., PMID: 28436541; Fajans S et al., PMID: 20621032; Thomas I et al., PMID: 19496967; Wright N et al., PMID: 8506821). This variant has been reported in the ClinVar database as a pathogenic/likely pathogenic germline variant by multiple submitters and a variant of unknown significance by one submitter (ClinVar Variation ID: 21124). The PDX1 c.188del (p.Pro63Argfs*60) variant has been observed on 2/138298 alleles in the general population (gnomAD v.2.1.1). This variant causes a frameshift by deleting one nucleotide, leading to a premature codon; however, because this occurs in the penultimate exon, this is not predicted to lead to nonsense mediated decay. Functional studies show that this variant results in premature truncation of the PDX1 protein (Stoffers D et al., PMID: 9649577). Based on available information and the ACMG/AMP guidelines for variant interpretation (Richards S et al., PMID: 25741868), this variant is classified as pathogenic.

NM_000209.4(PDX1):c.188del (p.Pro63fs)

Gene: PDX1 (pancreatic and duodenal homeobox 1; plus strand). Cytogenetic location: 13q12.2.
Variant type: Deletion.
Coding change: c.188del on transcript NM_000209.4 (MANE Select); coding-DNA position 188, one base deleted (C; older notation c.188delC).
Protein change: p.Pro63fs; shifts the reading frame from proline 63.
Molecular consequence: frameshift variant.
Genome position (GRCh38, 1-based): chr13:27,920,326, C deleted; the last of 6 consecutive C bases (chr13:27,920,321-27,920,326); deleting any one gives the same sequence. VCF-style (leftmost placement, unchanged base first): chr13-27920320-GC-G. GRCh37 (hg19) VCF-style: chr13-28494457-GC-G.
Other names: c.188delC (NM_000209.4, NM_000209.3, NM_000209.3); short protein forms P63fs.
Identifiers: ClinVar variation 21124 (VCV000021124.30), dbSNP rs193929377, ClinGen allele CA341648.